The following is an entry in ClinVar:

ClinVar aggregate classification (germline): Uncertain significance. Review status: criteria provided, multiple submitters, no conflicts (2 of 4 stars). 4 submissions from 4 submitters: Uncertain significance (4). Last evaluated 2026-10-22.

Conditions:
Inborn genetic diseases. Identifiers: MedGen C0950123, MeSH D030342.
MPDZ-related disorder. Also called: MPDZ-related condition.

Allele frequency attached by ClinVar (database versions not stated): gnomAD exomes 0.00002; ESP Exome Variant Server 0.00008; ExAC 0.00005; gnomAD 0.00011 and 0.00014; TOPMed 0.00011.
gnomAD v4.1: 32 of 1,578,724 alleles (0.002%); highest among the groups gnomAD compares: African/African-American, 0.042%; no homozygotes.

Submissions (4):

GeneDx
Classification: Uncertain significance. Last evaluated: 2026-10-22. Review status: criteria provided, single submitter. Criteria: GeneDx Variant Classification Process June 2021. Collection method: clinical testing. Allele origin: germline.
Comment: In silico analysis suggests that this missense variant does not alter protein structure/function; Has not been previously published as pathogenic or benign to our knowledge

PreventionGenetics, part of Exact Sciences
Classification: Uncertain significance for MPDZ-related condition. Last evaluated: 2026-07-14. Review status: criteria provided, single submitter. Criteria: ACMG Guidelines, 2015. Collection method: clinical testing. Allele origin: germline.
Comment: The MPDZ c.3007G>A variant is predicted to result in the amino acid substitution p.Glu1003Lys. To our knowledge, this variant has not been reported in the literature. This variant is reported in 0.038% of alleles in individuals of African descent in gnomAD. At this time, the clinical significance of this variant is uncertain due to the absence of conclusive functional and genetic evidence.

Ambry Genetics
Classification: Uncertain significance for Inborn genetic diseases. Last evaluated: 2025-04-29. Review status: criteria provided, single submitter. Criteria: Ambry Variant Classification Scheme 2023. Collection method: clinical testing. Allele origin: germline.

Labcorp Genetics (formerly Invitae), Labcorp
Classification: Uncertain significance. Last evaluated: 2022-10-05. Review status: criteria provided, single submitter. Criteria: Invitae Variant Classification Sherloc (09022015). Collection method: clinical testing. Allele origin: germline.
Comment: In summary, the available evidence is currently insufficient to determine the role of this variant in disease. Therefore, it has been classified as a Variant of Uncertain Significance. Algorithms developed to predict the effect of missense changes on protein structure and function are either unavailable or do not agree on the potential impact of this missense change (SIFT: "Deleterious"; PolyPhen-2: "Benign"; Align-GVGD: "Class C0"). ClinVar contains an entry for this variant (Variation ID: 1307981). This variant has not been reported in the literature in individuals affected with MPDZ-related conditions. This variant is present in population databases (rs374450400, gnomAD 0.04%). This sequence change replaces glutamic acid, which is acidic and polar, with lysine, which is basic and polar, at codon 1003 of the MPDZ protein (p.Glu1003Lys).

NM_001378778.1(MPDZ):c.3007G>A (p.Glu1003Lys)

Gene: MPDZ (multiple PDZ domain crumbs cell polarity complex component; minus strand). Cytogenetic location: 9p23.
Variant type: single nucleotide variant.
Coding change: c.3007G>A on transcript NM_001378778.1 (MANE Select); coding-DNA position 3007, G replaced by A.
Protein change: p.Glu1003Lys; replaces glutamic acid 1003 with lysine.
Molecular consequence: missense variant.
Genome position (GRCh38, 1-based): chr9:13,175,800, C>T on the plus strand (G>A on the coding strand, the complement: MPDZ is on the minus strand). VCF-style: chr9-13175800-C-T. GRCh37 (hg19) VCF-style: chr9-13175799-C-T.
Other names: c.3007G>A, p.Glu1003Lys (NM_001375417.1, NM_001375418.1, NM_001375419.1 and 14 more transcripts); c.3007G>A (NM_003829.3); short protein forms E1003K.
Identifiers: ClinVar variation 1307981 (VCV001307981.12), dbSNP rs374450400, ClinGen allele CA4987299.